The following is an entry in ClinVar:

ClinVar aggregate classification (germline): Uncertain significance (1 of 4 stars; one submission).

Submission:

Labcorp Genetics (formerly Invitae), Labcorp
Classification: Uncertain significance. Last evaluated: 2021-10-14. Review status: criteria provided, single submitter. Criteria: Invitae Variant Classification Sherloc (09022015). Collection method: clinical testing. Allele origin: germline.
Comment: Algorithms developed to predict the effect of missense changes on protein structure and function are either unavailable or do not agree on the potential impact of this missense change (SIFT: "Deleterious"; PolyPhen-2: "Probably Damaging"; Align-GVGD: "Class C0"). In summary, the available evidence is currently insufficient to determine the role of this variant in disease. Therefore, it has been classified as a Variant of Uncertain Significance. This variant has not been reported in the literature in individuals affected with NLGN2-related conditions. This sequence change replaces serine with leucine at codon 744 of the NLGN2 protein (p.Ser744Leu). The serine residue is highly conserved and there is a large physicochemical difference between serine and leucine. The frequency data for this variant in the population databases is considered unreliable, as metrics indicate insufficient coverage at this position in the ExAC database.

NM_020795.4(NLGN2):c.2231C>T (p.Ser744Leu)

Gene: NLGN2 (neuroligin 2; plus strand). Cytogenetic location: 17p13.1.
Variant type: single nucleotide variant.
Coding change: c.2231C>T on transcript NM_020795.4 (MANE Select); coding-DNA position 2231, C replaced by T.
Protein change: p.Ser744Leu; replaces serine 744 with leucine.
Molecular consequence: missense variant.
Genome position (GRCh38, 1-based): chr17:7,417,522, C>T. VCF-style: chr17-7417522-C-T. GRCh37 (hg19) VCF-style: chr17-7320841-C-T.
Other names: short protein forms S744L.
Identifiers: ClinVar variation 1462670 (VCV001462670.6), dbSNP rs2150818627, ClinGen allele CA397835082.